The following is an entry in ClinVar:

ClinVar aggregate classification (germline): Uncertain significance (1 of 4 stars; one submission).

Submission:

GeneDx
Classification: Uncertain significance. Last evaluated: 2024-01-09. Review status: criteria provided, single submitter. Criteria: GeneDx Variant Classification Process June 2021. Collection method: clinical testing. Allele origin: germline. Affected: yes.
Comment: Not observed at significant frequency in large population cohorts (gnomAD); In silico analysis supports that this missense variant has a deleterious effect on protein structure/function; Has not been previously published as pathogenic or benign to our knowledge

NM_003128.3(SPTBN1):c.149A>T (p.Asp50Val)

Gene: SPTBN1 (spectrin beta, non-erythrocytic 1; plus strand). Cytogenetic location: 2p16.2.
Variant type: single nucleotide variant.
Coding change: c.149A>T on transcript NM_003128.3 (MANE Select); coding-DNA position 149, A replaced by T.
Protein change: p.Asp50Val; replaces aspartic acid 50 with valine.
Molecular consequence: missense variant.
Genome position (GRCh38, 1-based): chr2:54,599,092, A>T. VCF-style: chr2-54599092-A-T. GRCh37 (hg19) VCF-style: chr2-54826229-A-T.
Other names: c.110A>T, p.Asp37Val (NM_178313.3); short protein forms D37V, D50V.
Identifiers: ClinVar variation 3367778 (VCV003367778.1).